The following is an entry in ClinVar:

NM_001365480.1(CCDC88A):c.3110C>T (p.Thr1037Met)

Gene: CCDC88A (coiled-coil domain containing 88A; minus strand). Cytogenetic location: 2p16.1.
Variant type: single nucleotide variant.
Coding change: c.3110C>T on transcript NM_001365480.1 (MANE Select); coding-DNA position 3110, C replaced by T.
Protein change: p.Thr1037Met; replaces threonine 1037 with methionine.
Molecular consequence: missense variant.
Genome position (GRCh38, 1-based): chr2:55,322,580, G>A on the plus strand (C>T on the coding strand, the complement: CCDC88A is on the minus strand). VCF-style: chr2-55322580-G-A. GRCh37 (hg19) VCF-style: chr2-55549716-G-A.
Other names: c.3107C>T, p.Thr1036Met (NM_001135597.2, NM_001254943.2); c.3110C>T, p.Thr1037Met (NM_018084.5); c.3107C>T (NM_001135597.1); short protein forms T1036M, T1037M.
Identifiers: ClinVar variation 1362780 (VCV001362780.6), dbSNP rs376732011, ClinGen allele CA1665840.
Genomic context (GRCh38, chr2:55,322,580, plus strand): 5'-ATACTTACATTTCTTTCTACTTCAATTAATCTGTCTTTAACTTTCAGAAGTTCTCTAGTC[G>A]TTTCTTGACTTTCTCGCTCCCATTTGTTGTCTTCACCAGATATTGGAGGAGAGCTCTGTA-3'
Protein context (NP_001352409.1, residues 1027-1047): DNKWERESQE[Thr1037Met]TRELLKVKDR

ClinVar aggregate classification (germline): Uncertain significance. Review status: criteria provided, multiple submitters, no conflicts (2 of 4 stars). 2 submissions from 2 submitters: Uncertain significance (2). Last evaluated 2024-12-23.

Allele frequency attached by ClinVar (database versions not stated): gnomAD exomes 0.00001; ESP Exome Variant Server 0.00008; ExAC 0.00001; TOPMed below 0.00001.
gnomAD v4.1: 12 of 1,607,910 alleles (0.00075%); highest among the groups gnomAD compares: South Asian, 0.0011%; no homozygotes.

Submissions (2):

Ambry Genetics
Classification: Uncertain significance. Last evaluated: 2024-12-23. Review status: criteria provided, single submitter. Criteria: Ambry Variant Classification Scheme 2023. Collection method: clinical testing. Allele origin: germline.

Labcorp Genetics (formerly Invitae), Labcorp
Classification: Uncertain significance. Last evaluated: 2021-08-28. Review status: criteria provided, single submitter. Criteria: Invitae Variant Classification Sherloc (09022015). Collection method: clinical testing. Allele origin: germline.
Comment: This sequence change replaces threonine with methionine at codon 1036 of the CCDC88A protein (p.Thr1036Met). The threonine residue is weakly conserved and there is a moderate physicochemical difference between threonine and methionine. This variant is present in population databases (rs376732011, ExAC 0.01%). This variant has not been reported in the literature in individuals affected with CCDC88A-related conditions. Algorithms developed to predict the effect of missense changes on protein structure and function are either unavailable or do not agree on the potential impact of this missense change (SIFT: "Deleterious"; PolyPhen-2: "Possibly Damaging"; Align-GVGD: "Class C0"). In summary, the available evidence is currently insufficient to determine the role of this variant in disease. Therefore, it has been classified as a Variant of Uncertain Significance.